The following is an entry in ClinVar:

NM_213655.5(WNK1):c.2926G>A (p.Gly976Ser)

Gene: WNK1 (WNK lysine deficient protein kinase 1; plus strand). Cytogenetic location: 12p13.33.
Variant type: single nucleotide variant.
Coding change: c.2926G>A on transcript NM_213655.5 (MANE Plus Clinical); coding-DNA position 2926, G replaced by A.
Protein change: p.Gly976Ser; replaces glycine 976 with serine.
Molecular consequence: missense variant. On other transcripts: intron variant (2).
Genome position (GRCh38, 1-based): chr12:868,397, G>A. VCF-style: chr12-868397-G-A. GRCh37 (hg19) VCF-style: chr12-977563-G-A.
Other names: c.2671G>A, p.Gly891Ser (NM_001184985.2); c.2140-2868G>A (NM_018979.4, NM_014823.3); short protein forms G891S, G976S.
Identifiers: ClinVar variation 1501994 (VCV001501994.33), dbSNP rs369073199, ClinGen allele CA6382265.

ClinVar aggregate classification (germline): Uncertain significance. Review status: criteria provided, multiple submitters, no conflicts (2 of 4 stars). 4 submissions from 4 submitters: Uncertain significance (4). Last evaluated 2025-02-10.

Conditions:
Inborn genetic diseases. Identifiers: MedGen C0950123, MeSH D030342.
Neuropathy, hereditary sensory and autonomic, type 2A (HSAN2A). Also called: WNK1-Related HSAN2 (HSAN2A); HSAN IIA; ACROOSTEOLYSIS, GIACCAI TYPE; ACROOSTEOLYSIS, NEUROGENIC; MORVAN DISEASE; NEUROPATHY, CONGENITAL SENSORY. Identifiers: Orphanet 970, MedGen C2752089, MONDO:0024309, OMIM 201300.
Pseudohypoaldosteronism type 2C (PHA2C). Also called: Pseudohypoaldosteronism Type IIC. Identifiers: Orphanet 757, Orphanet 88940, MedGen C1840391, MONDO:0013778, OMIM 614492.

Allele frequency attached by ClinVar (database versions not stated): gnomAD exomes 0.00002; gnomAD 0.00003; ExAC 0.00004; TOPMed 0.00006; ESP Exome Variant Server 0.00017.
gnomAD v4.1: 34 of 1,613,804 alleles (0.0021%); highest among the groups gnomAD compares: Non-Finnish European, 0.0028%; no homozygotes.

Submissions (4):

Labcorp Genetics (formerly Invitae), Labcorp
Classification: Uncertain significance for Neuropathy, hereditary sensory and autonomic, type 2A; Pseudohypoaldosteronism type 2C. Last evaluated: 2025-02-10. Review status: criteria provided, single submitter. Criteria: Invitae Variant Classification Sherloc (09022015). Collection method: clinical testing. Allele origin: germline.
Comment: This sequence change replaces glycine, which is neutral and non-polar, with serine, which is neutral and polar, at codon 976 of the WNK1 protein (p.Gly976Ser). This variant is present in population databases (rs369073199, gnomAD 0.007%). This variant has not been reported in the literature in individuals affected with WNK1-related conditions. ClinVar contains an entry for this variant (Variation ID: 1501994). Invitae Evidence Modeling of protein sequence and biophysical properties (such as structural, functional, and spatial information, amino acid conservation, physicochemical variation, residue mobility, and thermodynamic stability) indicates that this missense variant is not expected to disrupt WNK1 protein function with a negative predictive value of 95%. In summary, the available evidence is currently insufficient to determine the role of this variant in disease. Therefore, it has been classified as a Variant of Uncertain Significance.

CeGaT Center for Human Genetics Tuebingen
Classification: Uncertain significance. Last evaluated: 2023-09-01. Review status: criteria provided, single submitter. Criteria: CeGaT Center For Human Genetics Tuebingen Variant Classification Criteria Version 2. Collection method: clinical testing. Allele origin: germline. Affected: yes. Observed: 1 variant allele.
Comment: WNK1: PM2, BP4

Fulgent Genetics
Classification: Uncertain significance for Neuropathy, hereditary sensory and autonomic, type 2A; Pseudohypoaldosteronism type 2C. Last evaluated: 2022-03-15. Review status: criteria provided, single submitter. Criteria: ACMG Guidelines, 2015. Collection method: clinical testing. Allele origin: unknown.

Ambry Genetics
Classification: Uncertain significance for Inborn genetic diseases. Last evaluated: 2020-07-07. Review status: criteria provided, single submitter. Criteria: Ambry Variant Classification Scheme 2023. Collection method: clinical testing. Allele origin: germline.
Comment: The p.G976S variant (also known as c.2926G>A), located in coding exon 10 of the WNK1 gene, results from a G to A substitution at nucleotide position 2926. The glycine at codon 976 is replaced by serine, an amino acid with similar properties. This amino acid position is not well conserved in available vertebrate species. In addition, this alteration is predicted to be tolerated by in silico analysis. Since supporting evidence is limited at this time, the clinical significance of this alteration remains unclear.